The following is an entry in ClinVar:

ClinVar aggregate classification (germline): Benign/Likely benign. Review status: criteria provided, multiple submitters, no conflicts (2 of 4 stars). 11 submissions from 10 submitters: Benign (5); Likely benign (5). 1 of the submissions does not count toward it. Last evaluated 2026-01-10.

Conditions:
COL5A1-related disorder. Also called: COL5A1-related condition.
Ehlers-Danlos syndrome, classic type, 1 (EDSCL1). Also called: EHLERS-DANLOS SYNDROME, GRAVIS TYPE; EHLERS-DANLOS SYNDROME, SEVERE CLASSIC TYPE; Ehlers-Danlos syndrome, type 1; Ehlers-Danlos Syndrome, Classic Type, COL5A1-Related; EDS I. Identifiers: MedGen C0268335, MONDO:0019567, OMIM 130000.
Fibromuscular dysplasia, multifocal. Identifiers: MedGen C5543412, MONDO:0859151, OMIM 619329.
Ehlers-Danlos syndrome, classic type (cEDS). Identifiers: Orphanet 287, MedGen C4225429, MONDO:0007522.
Familial thoracic aortic aneurysm and aortic dissection (TAAD). Also called: Thoracic aortic aneurysms and dissections. Identifiers: Orphanet 91387, MedGen C4707243, MONDO:0019625.

Allele frequency attached by ClinVar (database versions not stated): gnomAD 0.00004 and 0.00007; TOPMed 0.00006; ExAC 0.00013; 1000 Genomes Project 30x 0.00031; 1000 Genomes Project 0.00040.
gnomAD v4.1: 85 of 1,612,954 alleles (0.0053%); highest among the groups gnomAD compares: East Asian, 0.091%; no homozygotes.

Submissions (11):

Labcorp Genetics (formerly Invitae), Labcorp
Classification: Benign for Ehlers-Danlos syndrome, classic type, 1. Last evaluated: 2026-01-10. Review status: criteria provided, single submitter. Criteria: Invitae Variant Classification Sherloc (09022015). Collection method: clinical testing. Allele origin: germline.

Women's Health and Genetics/Laboratory Corporation of America, LabCorp
Classification: Benign. Last evaluated: 2025-03-03. Review status: criteria provided, single submitter. Criteria: LabCorp Variant Classification Summary - May 2015. Collection method: clinical testing. Allele origin: germline.

Mayo Clinic Laboratories, Mayo Clinic
Classification: Likely benign. Last evaluated: 2025-02-24. Review status: criteria provided, single submitter. Criteria: ACMG Guidelines, 2015. Collection method: clinical testing. Allele origin: germline. Observed: 1 variant allele.
Comment: BS1, BP4, BP7

Blueprint Genetics
Classification: Likely benign. Last evaluated: 2024-10-08. Review status: criteria provided, single submitter. Criteria: ACMG Guidelines, 2015. Collection method: clinical testing. Allele origin: germline.

Ambry Genetics
Classification: Likely benign for Familial thoracic aortic aneurysm and aortic dissection. Last evaluated: 2023-01-01. Review status: criteria provided, single submitter. Criteria: Ambry Variant Classification Scheme 2023. Collection method: clinical testing. Allele origin: germline.

Genome-Nilou Lab
Classification: Benign for Ehlers-Danlos syndrome, classic type, 1. Last evaluated: 2022-03-15. Review status: criteria provided, single submitter. Criteria: ACMG Guidelines, 2015. Collection method: clinical testing. Allele origin: germline. Affected: no.

Genome-Nilou Lab
Classification: Benign for Fibromuscular dysplasia, multifocal. Last evaluated: 2022-03-15. Review status: criteria provided, single submitter. Criteria: ACMG Guidelines, 2015. Collection method: clinical testing. Allele origin: germline. Affected: no.

Fulgent Genetics
Classification: Likely benign for Ehlers-Danlos syndrome, classic type, 1; Fibromuscular dysplasia, multifocal. Last evaluated: 2021-09-29. Review status: criteria provided, single submitter. Criteria: ACMG Guidelines, 2015. Collection method: clinical testing. Allele origin: unknown.

Illumina Laboratory Services, Illumina
Classification: Likely benign for Ehlers-Danlos syndrome, classic type, 1. Last evaluated: 2018-01-13. Review status: criteria provided, single submitter. Criteria: ICSL Variant Classification Criteria 13 December 2019. Collection method: clinical testing. Allele origin: germline.
Comment: This variant was observed in the ICSL laboratory as part of a predisposition screen in an ostensibly healthy population. It had not been previously curated by ICSL or reported in the Human Gene Mutation Database (HGMD: prior to June 1st, 2018), and was therefore a candidate for classification through an automated scoring system. Utilizing variant allele frequency, disease prevalence and penetrance estimates, and inheritance mode, an automated score was calculated to assess if this variant is too frequent to cause the disease. Based on the score and internal cut-off values, a variant classified as likely benign is not then subjected to further curation. The score for this variant resulted in a classification of likely benign for this disease.

GeneDx
Classification: Benign. Last evaluated: 2015-06-23. Review status: criteria provided, single submitter. Criteria: GeneDx Variant Classification (06012015). Collection method: clinical testing. Allele origin: germline. Affected: yes.
Comment: This variant is considered likely benign or benign based on one or more of the following criteria: it is a conservative change, it occurs at a poorly conserved position in the protein, it is predicted to be benign by multiple in silico algorithms, and/or has population frequency not consistent with disease.

PreventionGenetics, part of Exact Sciences
Classification: Likely benign for COL5A1-related condition. Last evaluated: 2019-09-17. Review status: no assertion criteria provided. Collection method: clinical testing. Allele origin: germline. Not counted in ClinVar's aggregate classification.
Comment: This variant is classified as likely benign based on ACMG/AMP sequence variant interpretation guidelines (Richards et al. 2015 PMID: 25741868, with internal and published modifications).

NM_000093.5(COL5A1):c.4374C>T (p.Asp1458=)

Gene: COL5A1 (collagen type V alpha 1 chain; plus strand). Cytogenetic location: 9q34.3.
Variant type: single nucleotide variant.
Coding change: c.4374C>T on transcript NM_000093.5 (MANE Select); coding-DNA position 4374, C replaced by T.
Protein change: p.Asp1458=; no amino-acid change (aspartic acid 1458 retained).
Molecular consequence: synonymous variant.
Genome position (GRCh38, 1-based): chr9:134,818,883, C>T. VCF-style: chr9-134818883-C-T. GRCh37 (hg19) VCF-style: chr9-137710729-C-T.
Other names: p.D1458D:GAC>GAT; p.Asp1458=; c.4374C>T, p.Asp1458= (NM_001278074.1).
Identifiers: ClinVar variation 212907 (VCV000212907.23), dbSNP rs201335857, ClinGen allele CA320157.